The following is an entry in ClinVar:

ClinVar aggregate classification (germline): Likely benign (1 of 4 stars; one submission).

Submission:

Women's Health and Genetics/Laboratory Corporation of America, LabCorp
Classification: Likely benign. Last evaluated: 2022-11-16. Review status: criteria provided, single submitter. Criteria: LabCorp Variant Classification Summary - May 2015. Collection method: clinical testing. Allele origin: germline.
Comment: Variant summary: ACTL6B c.993C>T alters a conserved nucleotide resulting in a synonymous change. The variant was absent in 250534 control chromosomes. The available data on variant occurrences in the general population are insufficient to allow any conclusion about variant significance. To our knowledge, no occurrence of c.993C>T in individuals affected with ACTL6B-Related Disorders and no experimental evidence demonstrating its impact on protein function have been reported. No clinical diagnostic laboratories have submitted clinical-significance assessments for this variant to ClinVar after 2014. Based on the evidence outlined above, the variant was classified as likely benign.

NM_016188.5(ACTL6B):c.993C>T (p.Gly331=)

Gene: ACTL6B (actin like 6B; minus strand). Cytogenetic location: 7q22.1.
Variant type: single nucleotide variant.
Coding change: c.993C>T on transcript NM_016188.5 (MANE Select); coding-DNA position 993, C replaced by T.
Protein change: p.Gly331=; no amino-acid change (glycine 331 retained).
Molecular consequence: synonymous variant. On other transcripts: non-coding transcript variant (1).
Genome position (GRCh38, 1-based): chr7:100,646,775, G>A on the plus strand (C>T on the coding strand, the complement: ACTL6B is on the minus strand). VCF-style: chr7-100646775-G-A. GRCh37 (hg19) VCF-style: chr7-100244398-G-A.
Identifiers: ClinVar variation 1804806 (VCV001804806.1), dbSNP rs2486157344, ClinGen allele CA456753019.